The following is an entry in ClinVar:

ClinVar aggregate classification (germline): Likely benign (1 of 4 stars; one submission).

Conditions:
BBS1-related disorder. Also called: BBS1-related condition.

Submission:

PreventionGenetics, part of Exact Sciences
Classification: Likely benign for BBS1-related condition. Last evaluated: 2024-12-08. Review status: criteria provided, single submitter. Criteria: ACMG Guidelines, 2015. Collection method: clinical testing. Allele origin: germline.
Comment: This variant is classified as likely benign based on ACMG/AMP sequence variant interpretation guidelines (Richards et al. 2015 PMID: 25741868, with internal and published modifications).

NM_024649.5(BBS1):c.479+6A>C

Gene: BBS1 (Bardet-Biedl syndrome 1; plus strand). Cytogenetic location: 11q13.2.
Variant type: single nucleotide variant.
Coding change: c.479+6A>C on transcript NM_024649.5 (MANE Select); 6 bases into the intron after coding-DNA position 479, A replaced by C.
Molecular consequence: intron variant.
Genome position (GRCh38, 1-based): chr11:66,515,592, A>C. VCF-style: chr11-66515592-A-C. GRCh37 (hg19) VCF-style: chr11-66283063-A-C.
Identifiers: ClinVar variation 4997521 (VCV004997521.1).